The following is an entry in ClinVar:

ClinVar aggregate classification (germline): Uncertain significance (1 of 4 stars; one submission).

Submission:

Women's Health and Genetics/Laboratory Corporation of America, LabCorp
Classification: Uncertain significance. Last evaluated: 2025-04-15. Review status: criteria provided, single submitter. Criteria: LabCorp Variant Classification Summary - May 2015. Collection method: clinical testing. Allele origin: germline.
Comment: Variant summary: ACADVL c.838A>G (p.Thr280Ala) results in a non-conservative amino acid change in the encoded protein sequence. Four of five in-silico tools predict a damaging effect of the variant on protein function. The variant was absent in 251444 control chromosomes (gnomAD). The available data on variant occurrences in the general population are insufficient to allow any conclusion about variant significance. c.838A>G has been observed in a newborn screening case affected with Very Long Chain Acyl-CoA Dehydrogenase Deficiency (Wang_2019). These data do not allow any conclusion about variant significance. To our knowledge, no experimental evidence demonstrating an impact on protein function has been reported. The following publication has been ascertained in the context of this evaluation (PMID: 31737040). No submitters have cited clinical-significance assessments for this variant to ClinVar. Based on the evidence outlined above, the variant was classified as uncertain significance.

Literature cited by the submitters: PubMed 31737040.

NM_000018.4(ACADVL):c.838A>G (p.Thr280Ala)

Gene: ACADVL (acyl-CoA dehydrogenase very long chain; plus strand). Cytogenetic location: 17p13.1.
Variant type: single nucleotide variant.
Coding change: c.838A>G on transcript NM_000018.4 (MANE Select); coding-DNA position 838, A replaced by G.
Protein change: p.Thr280Ala; replaces threonine 280 with alanine.
Molecular consequence: missense variant.
Genome position (GRCh38, 1-based): chr17:7,222,262, A>G. VCF-style: chr17-7222262-A-G. GRCh37 (hg19) VCF-style: chr17-7125581-A-G.
Other names: c.772A>G, p.Thr258Ala (NM_001033859.3); c.907A>G, p.Thr303Ala (NM_001270447.2); c.610A>G, p.Thr204Ala (NM_001270448.2); short protein forms T204A, T258A, T280A, T303A.
Identifiers: ClinVar variation 3896253 (VCV003896253.2).
Genomic context (GRCh38, chr17:7,222,262, plus strand): 5'-ACGGTCTTTGCCAAGACACCAGTTACAGATCCAGCCACAGGAGCCGTGAAGGAGAAGATC[A>G]CAGCTTTTGTGGTGGAGAGGGGCTTCGGGGGCATTACCCAGTGAGTGAATTTGGGTTGGG-3'
Protein context (NP_000009.1, residues 270-290): PATGAVKEKI[Thr280Ala]AFVVERGFGG